The following is an entry in ClinVar:

NM_001792.5(CDH2):c.2713G>A (p.Asp905Asn)

Genes: CDH2 (cadherin 2; minus strand), CDH2-AS1 (CDH2 antisense RNA 1; plus strand). Cytogenetic location: 18q12.1.
Variant type: single nucleotide variant.
Coding change: c.2713G>A on transcript NM_001792.5 (MANE Select); coding-DNA position 2713, G replaced by A.
Protein change: p.Asp905Asn; replaces aspartic acid 905 with asparagine.
Molecular consequence: missense variant.
Genome position (GRCh38, 1-based): chr18:27,952,161, C>T on the plus strand (G>A on the coding strand, the complement: CDH2 is on the minus strand). VCF-style: chr18-27952161-C-T. GRCh37 (hg19) VCF-style: chr18-25532125-C-T.
Other names: c.2620G>A, p.Asp874Asn (NM_001308176.2); short protein forms D874N, D905N.
Identifiers: ClinVar variation 2580599 (VCV002580599.1), dbSNP rs765791790, ClinGen allele CA8923087.

ClinVar aggregate classification (germline): Uncertain significance (1 of 4 stars; one submission).

Allele frequency attached by ClinVar (database versions not stated): ExAC 0.00001.
gnomAD v4.1: 1 of 1,613,330 alleles (0.000062%); highest among the groups gnomAD compares: African/African-American, 0.0013%; no homozygotes.

Submission:

GeneDx
Classification: Uncertain significance. Last evaluated: 2023-03-24. Review status: criteria provided, single submitter. Criteria: GeneDx Variant Classification Process June 2021. Collection method: clinical testing. Allele origin: germline. Affected: yes.
Comment: In silico analysis supports that this missense variant has a deleterious effect on protein structure/function; Has not been previously published as pathogenic or benign to our knowledge